The following is an entry in ClinVar:

NM_152424.4(AMER1):c.2939T>C (p.Leu980Ser)

Gene: AMER1 (APC membrane recruitment protein 1; minus strand). Cytogenetic location: Xq11.2.
Variant type: single nucleotide variant.
Coding change: c.2939T>C on transcript NM_152424.4 (MANE Select); coding-DNA position 2939, T replaced by C.
Protein change: p.Leu980Ser; replaces leucine 980 with serine.
Molecular consequence: missense variant.
Genome position (GRCh38, 1-based): chrX:64,190,348, A>G on the plus strand (T>C on the coding strand, the complement: AMER1 is on the minus strand). VCF-style: chrX-64190348-A-G. GRCh37 (hg19) VCF-style: chrX-63410228-A-G.
Other names: short protein forms L980S.
Identifiers: ClinVar variation 3683835 (VCV003683835.2).

ClinVar aggregate classification (germline): Uncertain significance (1 of 4 stars; one submission).

Submission:

Labcorp Genetics (formerly Invitae), Labcorp
Classification: Uncertain significance. Last evaluated: 2024-05-03. Review status: criteria provided, single submitter. Criteria: Invitae Variant Classification Sherloc (09022015). Collection method: clinical testing. Allele origin: germline.
Comment: This sequence change replaces leucine, which is neutral and non-polar, with serine, which is neutral and polar, at codon 980 of the AMER1 protein (p.Leu980Ser). This variant is not present in population databases (gnomAD no frequency). This variant has not been reported in the literature in individuals affected with AMER1-related conditions. An algorithm developed to predict the effect of missense changes on protein structure and function (PolyPhen-2) suggests that this variant is likely to be disruptive. In summary, the available evidence is currently insufficient to determine the role of this variant in disease. Therefore, it has been classified as a Variant of Uncertain Significance.